The following is an entry in ClinVar:

ClinVar aggregate classification (germline): Likely pathogenic (1 of 4 stars; one submission).

gnomAD v4.1: 1 of 1,614,124 alleles (0.000062%); highest among the groups gnomAD compares: East Asian, 0.0022%; no homozygotes.

Submission:

Labcorp Genetics (formerly Invitae), Labcorp
Classification: Likely pathogenic. Last evaluated: 2023-01-30. Review status: criteria provided, single submitter. Criteria: Invitae Variant Classification Sherloc (09022015). Collection method: clinical testing. Allele origin: germline.
Comment: This sequence change replaces arginine, which is basic and polar, with proline, which is neutral and non-polar, at codon 206 of the TPP1 protein (p.Arg206Pro). This variant is present in population databases (no rsID available, gnomAD 0.006%). This variant has not been reported in the literature in individuals affected with TPP1-related conditions. ClinVar contains an entry for this variant (Variation ID: 1068193). Advanced modeling of protein sequence and biophysical properties (such as structural, functional, and spatial information, amino acid conservation, physicochemical variation, residue mobility, and thermodynamic stability) performed at Invitae indicates that this missense variant is expected to disrupt TPP1 protein function. This variant disrupts the p.Arg206 amino acid residue in TPP1. Other variant(s) that disrupt this residue have been determined to be pathogenic (PMID: 10665500, 12698559, 20340139, 30541466; Invitae). This suggests that this residue is clinically significant, and that variants that disrupt this residue are likely to be disease-causing. In summary, the currently available evidence indicates that the variant is pathogenic, but additional data are needed to prove that conclusively. Therefore, this variant has been classified as Likely Pathogenic.

Literature cited by the submitters: PubMed 10665500; PubMed 12698559; PubMed 20340139; PubMed 30541466.

NM_000391.4(TPP1):c.617G>C (p.Arg206Pro)

Gene: TPP1 (tripeptidyl peptidase 1; minus strand). Cytogenetic location: 11p15.4.
Variant type: single nucleotide variant.
Coding change: c.617G>C on transcript NM_000391.4 (MANE Select); coding-DNA position 617, G replaced by C.
Protein change: p.Arg206Pro; replaces arginine 206 with proline.
Molecular consequence: missense variant.
Genome position (GRCh38, 1-based): chr11:6,617,045, C>G on the plus strand (G>C on the coding strand, the complement: TPP1 is on the minus strand). VCF-style: chr11-6617045-C-G. GRCh37 (hg19) VCF-style: chr11-6638276-C-G.
Other names: short protein forms R206P.
Identifiers: ClinVar variation 1068193 (VCV001068193.9), dbSNP rs121908209, ClinGen allele CA379475450.